The following is an entry in ClinVar:

NM_017514.5(PLXNA3):c.540C>G (p.Thr180=)

Gene: PLXNA3 (plexin A3; plus strand). Cytogenetic location: Xq28.
Variant type: single nucleotide variant.
Coding change: c.540C>G on transcript NM_017514.5 (MANE Select); coding-DNA position 540, C replaced by G.
Protein change: p.Thr180=; no amino-acid change (threonine 180 retained).
Molecular consequence: synonymous variant.
Genome position (GRCh38, 1-based): chrX:154,460,723, C>G. VCF-style: chrX-154460723-C-G. GRCh37 (hg19) VCF-style: chrX-153689063-C-G.
Identifiers: ClinVar variation 3349715 (VCV003349715.1).

ClinVar aggregate classification (germline): Likely benign (0 of 4 stars; one submission).

Conditions:
PLXNA3-related disorder. Also called: PLXNA3-related condition.

gnomAD v4.1: 5 of 1,137,803 alleles (0.00044%); highest among the groups gnomAD compares: South Asian, 0.0042%; no homozygotes.

Submission:

PreventionGenetics, part of Exact Sciences
Classification: Likely benign for PLXNA3-related condition. Last evaluated: 2024-03-11. Review status: no assertion criteria provided. Collection method: clinical testing. Allele origin: germline.
Comment: This variant is classified as likely benign based on ACMG/AMP sequence variant interpretation guidelines (Richards et al. 2015 PMID: 25741868, with internal and published modifications).